The following is an entry in ClinVar:

ClinVar aggregate classification (germline): Pathogenic (1 of 4 stars; one submission).

Conditions:
Leukocyte adhesion deficiency 1 (LAD1). Also called: LEUKOCYTE ADHESION DEFICIENCY, TYPE I; LAD 1; Lymphocyte function-associated antigen 1 immunodeficiency; LFA 1 immunodeficiency. Identifiers: Orphanet 2968, Orphanet 99842, MedGen C0398738, MONDO:0007293, OMIM 116920.

Allele frequency attached by ClinVar (database versions not stated): gnomAD 0.00001; gnomAD exomes 0.00001.

Submission:

Labcorp Genetics (formerly Invitae), Labcorp
Classification: Pathogenic for Leukocyte adhesion deficiency 1. Last evaluated: 2022-08-31. Review status: criteria provided, single submitter. Criteria: Invitae Variant Classification Sherloc (09022015). Collection method: clinical testing. Allele origin: germline.
Comment: For these reasons, this variant has been classified as Pathogenic. This variant has not been reported in the literature in individuals affected with ITGB2-related conditions. This variant is present in population databases (no rsID available, gnomAD 0.0009%). This sequence change creates a premature translational stop signal (p.Asp80Alafs*24) in the ITGB2 gene. It is expected to result in an absent or disrupted protein product. Loss-of-function variants in ITGB2 are known to be pathogenic (PMID: 22134107, 25703682).

Literature cited by the submitters: PubMed 22134107; PubMed 25703682.

NM_000211.5(ITGB2):c.239del (p.Asp80fs)

Gene: ITGB2 (integrin subunit beta 2; minus strand). Cytogenetic location: 21q22.3.
Variant type: Deletion.
Coding change: c.239del on transcript NM_000211.5 (MANE Select); coding-DNA position 239, one base deleted (A; older notation c.239delA).
Protein change: p.Asp80fs; shifts the reading frame from aspartic acid 80.
Molecular consequence: frameshift variant.
Genome position (GRCh38, 1-based): chr21:44,907,004, T deleted on the plus strand (A on the coding strand, the reverse complement: ITGB2 is on the minus strand). VCF-style (leftmost placement, unchanged base first): chr21-44907003-GT-G. GRCh37 (hg19) VCF-style: chr21-46326918-GT-G.
Other names: c.239del, p.Asp80fs (NM_001127491.3); c.32del, p.Asp11fs (NM_001303238.2); short protein forms D11fs, D80fs.
Identifiers: ClinVar variation 1987390 (VCV001987390.4), dbSNP rs1307126211, ClinGen allele CA638496071.